The following is an entry in ClinVar:

ClinVar aggregate classification (germline): Uncertain significance (1 of 4 stars; one submission).

Conditions:
Inborn genetic diseases. Identifiers: MedGen C0950123, MeSH D030342.

Submission:

Ambry Genetics
Classification: Uncertain significance for Inborn genetic diseases. Last evaluated: 2022-10-22. Review status: criteria provided, single submitter. Criteria: Ambry Variant Classification Scheme 2023. Collection method: clinical testing. Allele origin: germline.
Comment: The p.L60V variant (also known as c.178C>G), located in coding exon 1 of the ACD gene, results from a C to G substitution at nucleotide position 178. The leucine at codon 60 is replaced by valine, an amino acid with highly similar properties. This amino acid position is conserved. In addition, this alteration is predicted to be tolerated by in silico analysis. Since supporting evidence is limited at this time, the clinical significance of this alteration remains unclear.

NM_001082486.1(ACD):c.178C>G (p.Leu60Val)

Gene: ACD (ACD shelterin complex subunit and telomerase recruitment factor; minus strand). Cytogenetic location: 16q22.1.
Variant type: single nucleotide variant.
Coding change: c.178C>G on transcript NM_001082486.1; coding-DNA position 178, C replaced by G.
Protein change: p.Leu60Val; replaces leucine 60 with valine.
Genome position (GRCh38, 1-based): chr16:67,660,301, G>C on the plus strand (C>G on the coding strand, the complement: ACD is on the minus strand). VCF-style: chr16-67660301-G-C. GRCh37 (hg19) VCF-style: chr16-67694204-G-C.
Other names: short protein forms L60V.
Identifiers: ClinVar variation 1780167 (VCV001780167.2), dbSNP rs2543612377, ClinGen allele CA396359493.